The following is an entry in ClinVar:

NM_030624.3(KLHL15):c.1778C>T (p.Pro593Leu)

Gene: KLHL15 (kelch like family member 15; minus strand). Cytogenetic location: Xp22.11.
Variant type: single nucleotide variant.
Coding change: c.1778C>T on transcript NM_030624.3 (MANE Select); coding-DNA position 1778, C replaced by T.
Protein change: p.Pro593Leu; replaces proline 593 with leucine.
Molecular consequence: missense variant.
Genome position (GRCh38, 1-based): chrX:23,987,958, G>A on the plus strand (C>T on the coding strand, the complement: KLHL15 is on the minus strand). VCF-style: chrX-23987958-G-A. GRCh37 (hg19) VCF-style: chrX-24006075-G-A.
Other names: short protein forms P593L.
Identifiers: ClinVar variation 4087805 (VCV004087805.1).

ClinVar aggregate classification (germline): Uncertain significance (1 of 4 stars; one submission).

Submission:

GeneDx
Classification: Uncertain significance. Last evaluated: 2025-03-25. Review status: criteria provided, single submitter. Criteria: GeneDx Variant Classification Process June 2021. Collection method: clinical testing. Allele origin: germline. Affected: yes.
Comment: Not observed at significant frequency in large population cohorts (gnomAD); In silico analysis supports that this missense variant has a deleterious effect on protein structure/function; Has not been previously published as pathogenic or benign to our knowledge